The following is an entry in ClinVar:

ClinVar aggregate classification (germline): Likely benign (1 of 4 stars; one submission).

Allele frequency attached by ClinVar (database versions not stated): 1000 Genomes Project 30x 0.00109; 1000 Genomes Project 0.00140; ESP Exome Variant Server 0.00623.
gnomAD v4.1: 14,794 of 1,610,694 alleles (0.92%); highest among the groups gnomAD compares: Non-Finnish European, 1.2%; 96 homozygotes.

Submission:

CeGaT Center for Human Genetics Tuebingen
Classification: Likely benign. Last evaluated: 2023-03-01. Review status: criteria provided, single submitter. Criteria: CeGaT Center For Human Genetics Tuebingen Variant Classification Criteria Version 2. Collection method: clinical testing. Allele origin: germline. Affected: yes. Observed: 1 variant allele.
Comment: OSCP1: BS2

NM_145047.5(OSCP1):c.516+3473G>A

Gene: OSCP1 (organic solute carrier partner 1; minus strand). Cytogenetic location: 1p34.3.
Variant type: single nucleotide variant.
Coding change: c.516+3473G>A on transcript NM_145047.5 (MANE Select); 3473 bases into the intron after coding-DNA position 516, G replaced by A.
Molecular consequence: intron variant. On other transcripts: nonsense (1).
Genome position (GRCh38, 1-based): chr1:36,428,329, C>T on the plus strand (G>A on the coding strand, the complement: OSCP1 is on the minus strand). VCF-style: chr1-36428329-C-T. GRCh37 (hg19) VCF-style: chr1-36893930-C-T.
Other names: c.663G>A, p.Trp221Ter (NM_206837.3); c.546+3473G>A (NM_001330493.2); short protein forms W221*.
Identifiers: ClinVar variation 2638672 (VCV002638672.24), dbSNP rs115388124, ClinGen allele CA768303.